The following is an entry in ClinVar:

NM_002055.5(GFAP):c.265T>C (p.Phe89Leu)

Gene: GFAP (glial fibrillary acidic protein; minus strand). Cytogenetic location: 17q21.31.
Variant type: single nucleotide variant.
Coding change: c.265T>C on transcript NM_002055.5 (MANE Select); coding-DNA position 265, T replaced by C.
Protein change: p.Phe89Leu; replaces phenylalanine 89 with leucine.
Molecular consequence: missense variant.
Genome position (GRCh38, 1-based): chr17:44,915,222, A>G on the plus strand (T>C on the coding strand, the complement: GFAP is on the minus strand). VCF-style: chr17-44915222-A-G. GRCh37 (hg19) VCF-style: chr17-42992590-A-G.
Other names: c.265T>C, p.Phe89Leu (NM_001131019.3, NM_001242376.3, NM_001363846.2); short protein forms F89L.
Identifiers: ClinVar variation 585932 (VCV000585932.8), dbSNP rs773482099, ClinGen allele CA8609073.

ClinVar aggregate classification (germline): Uncertain significance. Review status: criteria provided, multiple submitters, no conflicts (2 of 4 stars). 3 submissions from 3 submitters: Uncertain significance (3). Last evaluated 2025-04-01.

Conditions:
Inborn genetic diseases. Identifiers: MedGen C0950123, MeSH D030342.

Allele frequency attached by ClinVar (database versions not stated): gnomAD exomes below 0.00001 and 0.00001; ExAC 0.00001; gnomAD 0.00009; TOPMed 0.00013.
gnomAD v4.1: 23 of 1,614,096 alleles (0.0014%); highest among the groups gnomAD compares: Admixed American, 0.028%; no homozygotes.

Submissions (3):

Labcorp Genetics (formerly Invitae), Labcorp
Classification: Uncertain significance. Last evaluated: 2025-04-01. Review status: criteria provided, single submitter. Criteria: Invitae Variant Classification Sherloc (09022015). Collection method: clinical testing. Allele origin: germline.
Comment: This sequence change replaces phenylalanine, which is neutral and non-polar, with leucine, which is neutral and non-polar, at codon 89 of the GFAP protein (p.Phe89Leu). This variant is present in population databases (rs773482099, gnomAD no frequency). This variant has not been reported in the literature in individuals affected with GFAP-related conditions. ClinVar contains an entry for this variant (Variation ID: 585932). Invitae Evidence Modeling of protein sequence and biophysical properties (such as structural, functional, and spatial information, amino acid conservation, physicochemical variation, residue mobility, and thermodynamic stability) has been performed for this missense variant. However, the output from this modeling did not meet the statistical confidence thresholds required to predict the impact of this variant on GFAP protein function. In summary, the available evidence is currently insufficient to determine the role of this variant in disease. Therefore, it has been classified as a Variant of Uncertain Significance.

Ambry Genetics
Classification: Uncertain significance for Inborn genetic diseases. Last evaluated: 2023-12-09. Review status: criteria provided, single submitter. Criteria: Ambry Variant Classification Scheme 2023. Collection method: clinical testing. Allele origin: germline.

Athena Diagnostics
Classification: Uncertain significance. Last evaluated: 2018-05-30. Review status: criteria provided, single submitter. Criteria: Athena Diagnostics Criteria. Collection method: clinical testing. Allele origin: germline.